The following is an entry in ClinVar:

ClinVar aggregate classification (germline): Likely benign. Review status: criteria provided, multiple submitters, no conflicts (2 of 4 stars). 3 submissions from 3 submitters: Likely benign (3). Last evaluated 2025-12-21.

Conditions:
Sengers syndrome. Also called: MITOCHONDRIAL DNA DEPLETION SYNDROME 10 (CARDIOMYOPATHIC TYPE); Cardiomyopathy and cataract. Identifiers: Orphanet 1369, MedGen C1859317, MONDO:0008922, OMIM 212350.
Cataract 38. Also called: Cataract, autosomal recessive congenital 5; Cataract 38, autosomal recessive. Identifiers: Orphanet 91492, MedGen C3553494, MONDO:0013859, OMIM 614691.

Allele frequency attached by ClinVar (database versions not stated): gnomAD 0.00006 and 0.00007; gnomAD exomes 0.00007 and 0.00010; ESP Exome Variant Server 0.00008; ExAC 0.00010; TOPMed 0.00011; 1000 Genomes Project 30x 0.00016; 1000 Genomes Project 0.00020.
gnomAD v4.1: 115 of 1,580,254 alleles (0.0073%); highest among the groups gnomAD compares: Admixed American, 0.037%; no homozygotes.

Submissions (3):

Labcorp Genetics (formerly Invitae), Labcorp
Classification: Likely benign for Sengers syndrome; Cataract 38. Last evaluated: 2025-12-21. Review status: criteria provided, single submitter. Criteria: Invitae Variant Classification Sherloc (09022015). Collection method: clinical testing. Allele origin: germline.

Blueprint Genetics
Classification: Likely benign. Last evaluated: 2023-10-26. Review status: criteria provided, single submitter. Criteria: ACMG Guidelines, 2015. Collection method: clinical testing. Allele origin: germline.

GeneDx
Classification: Likely benign. Last evaluated: 2016-05-25. Review status: criteria provided, single submitter. Criteria: GeneDx Variant Classification (06012015). Collection method: clinical testing. Allele origin: germline. Affected: yes.
Comment: This variant is considered likely benign or benign based on one or more of the following criteria: it is a conservative change, it occurs at a poorly conserved position in the protein, it is predicted to be benign by multiple in silico algorithms, and/or has population frequency not consistent with disease.

NM_018238.4(AGK):c.976-20A>G

Gene: AGK (acylglycerol kinase; plus strand). Cytogenetic location: 7q34.
Variant type: single nucleotide variant.
Coding change: c.976-20A>G on transcript NM_018238.4 (MANE Select); 20 bases into the intron before coding-DNA position 976, A replaced by G.
Molecular consequence: intron variant.
Genome position (GRCh38, 1-based): chr7:141,649,243, A>G. VCF-style: chr7-141649243-A-G. GRCh37 (hg19) VCF-style: chr7-141349043-A-G.
Other names: c.976-20A>G (NM_001364948.3).
Identifiers: ClinVar variation 386049 (VCV000386049.7), dbSNP rs201192380, ClinGen allele CA4517641.